The following is an entry in ClinVar:

NM_017780.4(CHD7):c.4076G>A (p.Arg1359Lys)

Gene: CHD7 (chromodomain helicase DNA binding protein 7; plus strand). Cytogenetic location: 8q12.2.
Variant type: single nucleotide variant.
Coding change: c.4076G>A on transcript NM_017780.4 (MANE Select); coding-DNA position 4076, G replaced by A.
Protein change: p.Arg1359Lys; replaces arginine 1359 with lysine.
Molecular consequence: missense variant. On other transcripts: intron variant (1).
Genome position (GRCh38, 1-based): chr8:60,836,903, G>A. VCF-style: chr8-60836903-G-A. GRCh37 (hg19) VCF-style: chr8-61749462-G-A.
Other names: c.1717-25326G>A (NM_001316690.1); short protein forms R1359K.
Identifiers: ClinVar variation 1737586 (VCV001737586.3), dbSNP rs1053656903, ClinGen allele CA177344143.
Genomic context (GRCh38, chr8:60,836,903, plus strand): 5'-GAGTAAGAGGCAACCTCCGCCAGGCAGCTATCGACAGATTCTCCAAACCTGATTCTGATA[G>A]GTTTGTTTTCCTCCTGTGTACAAGGGCAGGAGGTTTAGGCATTAACCTCACTGCTGCTGA-3'
Protein context (NP_060250.2, residues 1349-1369): IDRFSKPDSD[Arg1359Lys]FVFLLCTRAG

ClinVar aggregate classification (germline): Uncertain significance. Review status: criteria provided, multiple submitters, no conflicts (2 of 4 stars). 2 submissions from 2 submitters: Uncertain significance (2). Last evaluated 2025-03-17.

Conditions:
Inborn genetic diseases. Identifiers: MedGen C0950123, MeSH D030342.
CHARGE syndrome (CHARGE). Also called: Hittner Hirsch Kreh syndrome; CHARGE ASSOCIATION--COLOBOMA, HEART ANOMALY, CHOANAL ATRESIA, RETARDATION, GENITAL AND EAR ANOMALIES; Coloboma, heart anomaly, choanal atresia, retardation, genital and ear anomalies; CHARGE association; Hall-Hittner syndrome. Identifiers: Orphanet 138, MedGen C0265354, MONDO:0008965.

Allele frequency attached by ClinVar (database versions not stated): gnomAD exomes below 0.00001; TOPMed below 0.00001.
gnomAD v4.1: 5 of 1,613,888 alleles (0.00031%); highest among the groups gnomAD compares: Non-Finnish European, 0.00042%; no homozygotes.

Submissions (2):

Labcorp Genetics (formerly Invitae), Labcorp
Classification: Uncertain significance for CHARGE syndrome. Last evaluated: 2025-03-17. Review status: criteria provided, single submitter. Criteria: Invitae Variant Classification Sherloc (09022015). Collection method: clinical testing. Allele origin: germline.
Comment: This sequence change replaces arginine, which is basic and polar, with lysine, which is basic and polar, at codon 1359 of the CHD7 protein (p.Arg1359Lys). This variant is present in population databases (no rsID available, gnomAD 0.0009%). This variant has not been reported in the literature in individuals affected with CHD7-related conditions. ClinVar contains an entry for this variant (Variation ID: 1737586). Invitae Evidence Modeling of protein sequence and biophysical properties (such as structural, functional, and spatial information, amino acid conservation, physicochemical variation, residue mobility, and thermodynamic stability) indicates that this missense variant is expected to disrupt CHD7 protein function with a positive predictive value of 80%. In summary, the available evidence is currently insufficient to determine the role of this variant in disease. Therefore, it has been classified as a Variant of Uncertain Significance.

Ambry Genetics
Classification: Uncertain significance for Inborn genetic diseases. Last evaluated: 2021-08-16. Review status: criteria provided, single submitter. Criteria: Ambry Variant Classification Scheme 2023. Collection method: clinical testing. Allele origin: germline.
Comment: The p.R1359K variant (also known as c.4076G>A), located in coding exon 16 of the CHD7 gene, results from a G to A substitution at nucleotide position 4076. The arginine at codon 1359 is replaced by lysine, an amino acid with highly similar properties. This amino acid position is conserved. In addition, the in silico prediction for this alteration is inconclusive. Since supporting evidence is limited at this time, the clinical significance of this alteration remains unclear.